The following is an entry in ClinVar:

ClinVar aggregate classification (germline): Likely pathogenic (1 of 4 stars; one submission).

Conditions:
Developmental and epileptic encephalopathy, 27 (DEE27). Also called: Epileptic encephalopathy, early infantile, 27; GRIN2B-Related Neurodevelopmental Disorder. Identifiers: Orphanet 3451, MedGen C4015316, MONDO:0014505, OMIM 616139.
Intellectual developmental disorder, autosomal dominant 6, with or without seizures. Also called: Intellectual disability, autosomal dominant 6; GRIN2B-related developmental delay, intellectual disability and autism spectrum disorder. Identifiers: Orphanet 589547, MedGen C3151411, MONDO:0013509, OMIM 613970.

Submission:

Labcorp Genetics (formerly Invitae), Labcorp
Classification: Likely pathogenic for Developmental and epileptic encephalopathy, 27; Intellectual developmental disorder, autosomal dominant 6, with or without seizures. Last evaluated: 2025-04-11. Review status: criteria provided, single submitter. Criteria: Invitae Variant Classification Sherloc (09022015). Collection method: clinical testing. Allele origin: germline.
Comment: This sequence change replaces proline, which is neutral and non-polar, with glutamine, which is neutral and polar, at codon 952 of the GRIN2B protein (p.Pro952Gln). This variant is not present in population databases (gnomAD no frequency). This missense change has been observed in individual(s) with clinical features of GRIN2B-related conditions (internal data). In at least one individual the variant was observed to be de novo. Invitae Evidence Modeling of protein sequence and biophysical properties (such as structural, functional, and spatial information, amino acid conservation, physicochemical variation, residue mobility, and thermodynamic stability) indicates that this missense variant is not expected to disrupt GRIN2B protein function with a negative predictive value of 95%. In summary, the currently available evidence indicates that the variant is pathogenic, but additional data are needed to prove that conclusively. Therefore, this variant has been classified as Likely Pathogenic.

NM_000834.5(GRIN2B):c.2855C>A (p.Pro952Gln)

Gene: GRIN2B (glutamate ionotropic receptor NMDA type subunit 2B; minus strand). Cytogenetic location: 12p13.1.
Variant type: single nucleotide variant.
Coding change: c.2855C>A on transcript NM_000834.5 (MANE Select); coding-DNA position 2855, C replaced by A.
Protein change: p.Pro952Gln; replaces proline 952 with glutamine.
Molecular consequence: missense variant.
Genome position (GRCh38, 1-based): chr12:13,564,383, G>T on the plus strand (C>A on the coding strand, the complement: GRIN2B is on the minus strand). VCF-style: chr12-13564383-G-T. GRCh37 (hg19) VCF-style: chr12-13717317-G-T.
Other names: c.2855C>A, p.Pro952Gln (NM_001413992.1); short protein forms P952Q.
Identifiers: ClinVar variation 4789473 (VCV004789473.1).